The following is an entry in ClinVar:

ClinVar aggregate classification (germline): Uncertain significance (1 of 4 stars; one submission).

Submission:

Greenwood Genetic Center Diagnostic Laboratories, Greenwood Genetic Center
Classification: Uncertain significance. Last evaluated: 2025-02-13. Review status: criteria provided, single submitter. Criteria: ACMG Guidelines, 2015. Collection method: clinical testing. Allele origin: germline.
Comment: Gene of Uncertain Significance

NM_001102575.2(SNX18):c.150C>G (p.Leu50=)

Gene: SNX18 (sorting nexin 18; plus strand). Cytogenetic location: 5q11.2.
Variant type: single nucleotide variant.
Coding change: c.150C>G on transcript NM_001102575.2 (MANE Select); coding-DNA position 150, C replaced by G.
Protein change: p.Leu50=; no amino-acid change (leucine 50 retained).
Molecular consequence: synonymous variant.
Genome position (GRCh38, 1-based): chr5:54,518,102, C>G. VCF-style: chr5-54518102-C-G. GRCh37 (hg19) VCF-style: chr5-53813932-C-G.
Other names: c.150C>G, p.Leu50= (NM_001145427.2, NM_052870.4).
Identifiers: ClinVar variation 4851657 (VCV004851657.1).
Genomic context (GRCh38, chr5:54,518,102, plus strand): 5'-CAGCGAGCAGGACATCGAGGGCTGGCTCGAGGGGGTCAACAGCCGCGGCGACCGCGGCCT[C>G]TTCCCGGCCTCCTATGTGCAGGTGATCCGCGCCCCCGAGCCTGGCCCGGCGGGAGACGGC-3'
Protein context (NP_001096045.1, residues 40-60): EGVNSRGDRG[Leu50=]FPASYVQVIR